The following is an entry in ClinVar:

NM_001243925.2(MAPKAPK3):c.325C>T (p.His109Tyr)

Gene: MAPKAPK3 (MAPK activated protein kinase 3; plus strand). Cytogenetic location: 3p21.2.
Variant type: single nucleotide variant.
Coding change: c.325C>T on transcript NM_001243925.2 (MANE Select); coding-DNA position 325, C replaced by T.
Protein change: p.His109Tyr; replaces histidine 109 with tyrosine.
Molecular consequence: missense variant.
Genome position (GRCh38, 1-based): chr3:50,640,471, C>T. VCF-style: chr3-50640471-C-T. GRCh37 (hg19) VCF-style: chr3-50677902-C-T.
Other names: c.325C>T, p.His109Tyr (NM_001243926.2, NM_004635.5); short protein forms H109Y.
Identifiers: ClinVar variation 1346513 (VCV001346513.8), dbSNP rs773395153, ClinGen allele CA2420211.

ClinVar aggregate classification (germline): Uncertain significance (1 of 4 stars; one submission).

Allele frequency attached by ClinVar (database versions not stated): ExAC 0.00001; gnomAD 0.00001; gnomAD exomes 0.00001.
gnomAD v4.1: 8 of 1,613,724 alleles (0.0005%); highest among the groups gnomAD compares: South Asian, 0.0077%; no homozygotes.

Submission:

Labcorp Genetics (formerly Invitae), Labcorp
Classification: Uncertain significance. Last evaluated: 2022-04-19. Review status: criteria provided, single submitter. Criteria: Invitae Variant Classification Sherloc (09022015). Collection method: clinical testing. Allele origin: germline.
Comment: In summary, the available evidence is currently insufficient to determine the role of this variant in disease. Therefore, it has been classified as a Variant of Uncertain Significance. Algorithms developed to predict the effect of missense changes on protein structure and function are either unavailable or do not agree on the potential impact of this missense change (SIFT: "Deleterious"; PolyPhen-2: "Benign"; Align-GVGD: "Class C25"). This variant has not been reported in the literature in individuals affected with MAPKAPK3-related conditions. This variant is present in population databases (rs773395153, gnomAD 0.007%). This sequence change replaces histidine, which is basic and polar, with tyrosine, which is neutral and polar, at codon 109 of the MAPKAPK3 protein (p.His109Tyr).